The following is an entry in ClinVar:

NM_001039876.3(SYNE4):c.653T>A (p.Leu218Ter)

Gene: SYNE4 (spectrin repeat containing nuclear envelope family member 4; minus strand). Cytogenetic location: 19q13.12.
Variant type: single nucleotide variant.
Coding change: c.653T>A on transcript NM_001039876.3 (MANE Select); coding-DNA position 653, T replaced by A.
Protein change: p.Leu218Ter; replaces leucine 218 with a stop codon.
Molecular consequence: nonsense.
Genome position (GRCh38, 1-based): chr19:36,006,637, A>T on the plus strand (T>A on the coding strand, the complement: SYNE4 is on the minus strand). VCF-style: chr19-36006637-A-T. GRCh37 (hg19) VCF-style: chr19-36497539-A-T.
Other names: c.653T>A (NM_001039876.2); c.314T>A, p.Leu105Ter (NM_001297735.3); short protein forms L105*, L218*.
Identifiers: ClinVar variation 2445877 (VCV002445877.2), dbSNP rs2514038071, ClinGen allele CA405432808.

ClinVar aggregate classification (germline): Likely pathogenic. Review status: criteria provided, multiple submitters, no conflicts (2 of 4 stars). 2 submissions from 2 submitters: Likely pathogenic (2). Last evaluated 2024-05-24.

Conditions:
Autosomal recessive nonsyndromic hearing loss 76. Also called: Deafness, autosomal recessive 76. Identifiers: Orphanet 90636, MedGen C3147083, MONDO:0014237, OMIM 615540.
Nonsyndromic genetic hearing loss. Also called: Nonsyndromic genetic deafness; Nonsyndromic hearing loss and deafness; Non-syndromic genetic deafness. Identifiers: Orphanet 87884, MedGen C5680182, MONDO:0019497.

Submissions (2):

Fulgent Genetics
Classification: Likely pathogenic for Autosomal recessive nonsyndromic hearing loss 76. Last evaluated: 2024-05-24. Review status: criteria provided, single submitter. Criteria: ACMG Guidelines, 2015. Collection method: clinical testing. Allele origin: germline.

Women's Health and Genetics/Laboratory Corporation of America, LabCorp
Classification: Likely pathogenic for Nonsyndromic genetic hearing loss. Last evaluated: 2023-02-16. Review status: criteria provided, single submitter. Criteria: LabCorp Variant Classification Summary - May 2015. Collection method: clinical testing. Allele origin: germline.
Comment: Variant summary: SYNE4 c.653T>A (p.Leu218X) results in a premature termination codon, predicted to cause a truncation of the encoded protein or absence of the protein due to nonsense mediated decay, which are commonly known mechanisms for disease. Truncations downstream of this position have been classified as pathogenic by our laboratory and in ClinVar. The variant was absent in 244228 control chromosomes (gnomAD). To our knowledge, no occurrence of c.653T>A in individuals affected with Nonsyndromic Hearing Loss And Deafness, Type 76 and no experimental evidence demonstrating its impact on protein function have been reported. No clinical diagnostic laboratories have submitted clinical-significance assessments for this variant to ClinVar after 2014. Based on the evidence outlined above, the variant was classified as likely pathogenic.